The following is an entry in ClinVar:

NM_004171.4(SLC1A2):c.536A>G (p.Asn179Ser)

Gene: SLC1A2 (solute carrier family 1 member 2; minus strand). Cytogenetic location: 11p13.
Variant type: single nucleotide variant.
Coding change: c.536A>G on transcript NM_004171.4 (MANE Select); coding-DNA position 536, A replaced by G.
Protein change: p.Asn179Ser; replaces asparagine 179 with serine.
Molecular consequence: missense variant.
Genome position (GRCh38, 1-based): chr11:35,312,223, T>C on the plus strand (A>G on the coding strand, the complement: SLC1A2 is on the minus strand). VCF-style: chr11-35312223-T-C. GRCh37 (hg19) VCF-style: chr11-35333770-T-C.
Other names: c.509A>G, p.Asn170Ser (NM_001195728.3, NM_001252652.2); short protein forms N170S, N179S.
Identifiers: ClinVar variation 3668595 (VCV003668595.2).
Genomic context (GRCh38, chr11:35,312,223, plus strand): 5'-ACTGGAGAAGAGAGAACATCTGAACTCTGGGTTACCTGTTGAAAGCAGGCTTGGACAAGG[T>C]TTTCAGGGAAGAGATTTCGAATAAGGTCCAGGAAGGCATCCAGGCTGGACACTTCATCAT-3'
Protein context (NP_004162.2, residues 169-189): LDLIRNLFPE[Asn179Ser]LVQACFQQIQ

ClinVar aggregate classification (germline): Uncertain significance (1 of 4 stars; one submission).

gnomAD v4.1: 1 of 1,613,920 alleles (0.000062%); highest among the groups gnomAD compares: African/African-American, 0.0013%; no homozygotes.

Submission:

Labcorp Genetics (formerly Invitae), Labcorp
Classification: Uncertain significance. Last evaluated: 2025-09-02. Review status: criteria provided, single submitter. Criteria: Invitae Variant Classification Sherloc (09022015). Collection method: clinical testing. Allele origin: germline.
Comment: This sequence change replaces asparagine, which is neutral and polar, with serine, which is neutral and polar, at codon 179 of the SLC1A2 protein (p.Asn179Ser). This variant is present in population databases (no rsID available, gnomAD 0.007%). This variant has not been reported in the literature in individuals affected with SLC1A2-related conditions. ClinVar contains an entry for this variant (Variation ID: 3668595). Invitae Evidence Modeling of protein sequence and biophysical properties (such as structural, functional, and spatial information, amino acid conservation, physicochemical variation, residue mobility, and thermodynamic stability) indicates that this missense variant is expected to disrupt SLC1A2 protein function with a positive predictive value of 80%. In summary, the available evidence is currently insufficient to determine the role of this variant in disease. Therefore, it has been classified as a Variant of Uncertain Significance.